The following is an entry in ClinVar:

NM_000179.3(MSH6):c.301G>C (p.Glu101Gln)

Gene: MSH6 (mutS homolog 6; plus strand). Cytogenetic location: 2p16.3.
Variant type: single nucleotide variant.
Coding change: c.301G>C on transcript NM_000179.3 (MANE Select); coding-DNA position 301, G replaced by C.
Protein change: p.Glu101Gln; replaces glutamic acid 101 with glutamine.
Molecular consequence: missense variant. On other transcripts: 5 prime UTR variant (8), non-coding transcript variant (5), intron variant (5).
Genome position (GRCh38, 1-based): chr2:47,790,967, G>C. VCF-style: chr2-47790967-G-C. GRCh37 (hg19) VCF-style: chr2-48018106-G-C.
Other names: c.301G>C, p.Glu101Gln (NM_001406803.1, NM_001406808.1, NM_001406809.1 and 6 more transcripts); c.223G>C, p.Glu75Gln (NM_001406804.1); c.4G>C, p.Glu2Gln (NM_001406805.1, NM_001406818.1, NM_001406819.1 and 10 more transcripts); c.-628G>C (NM_001406807.1); c.-436G>C (NM_001406811.1, NM_001406823.1, NM_001281493.2 and 1 more transcripts); c.-283G>C (NM_001406812.1); c.-694G>C (NM_001406814.1); c.133G>C, p.Glu45Gln (NM_001406826.1); and 6 more; short protein forms E101Q, E133Q, E2Q, E45Q, E75Q.
Identifiers: ClinVar variation 4860378 (VCV004860378.1).

ClinVar aggregate classification (germline): Uncertain significance (1 of 4 stars; one submission).

Conditions:
Hereditary cancer-predisposing syndrome. Also called: Neoplastic Syndromes, Hereditary; Tumor predisposition; Hereditary Cancer Syndrome; Hereditary neoplastic syndrome. Identifiers: Orphanet 140162, MedGen C0027672, MeSH D009386, MONDO:0015356.

Submission:

Ambry Genetics
Classification: Uncertain significance for Hereditary cancer-predisposing syndrome. Last evaluated: 2026-03-23. Review status: criteria provided, single submitter. Criteria: Ambry Variant Classification Scheme 2023. Collection method: clinical testing. Allele origin: germline.
Comment: The p.E101Q variant (also known as c.301G>C), located in coding exon 2 of the MSH6 gene, results from a G to C substitution at nucleotide position 301. The glutamic acid at codon 101 is replaced by glutamine, an amino acid with highly similar properties. This amino acid position is highly conserved in available vertebrate species. In addition, the in silico prediction for this alteration is inconclusive. Based on the available evidence, the clinical significance of this variant remains unclear.